The following is an entry in ClinVar:

ClinVar aggregate classification (germline): Uncertain significance (1 of 4 stars; one submission).

Submission:

GeneDx
Classification: Uncertain significance. Last evaluated: 2026-01-28. Review status: criteria provided, single submitter. Criteria: GeneDx Variant Classification Process June 2021. Collection method: clinical testing. Allele origin: germline.
Comment: Not observed at significant frequency in large population cohorts (gnomAD); In silico analysis supports that this missense variant has a deleterious effect on protein structure/function; Has not been previously published as pathogenic or benign to our knowledge.

NM_002224.4(ITPR3):c.4339G>C (p.Asp1447His)

Gene: ITPR3 (inositol 1,4,5-trisphosphate receptor type 3; plus strand). Cytogenetic location: 6p21.31.
Variant type: single nucleotide variant.
Coding change: c.4339G>C on transcript NM_002224.4 (MANE Select); coding-DNA position 4339, G replaced by C.
Protein change: p.Asp1447His; replaces aspartic acid 1447 with histidine.
Molecular consequence: missense variant.
Genome position (GRCh38, 1-based): chr6:33,680,443, G>C. VCF-style: chr6-33680443-G-C. GRCh37 (hg19) VCF-style: chr6-33648220-G-C.
Other names: short protein forms D1447H.
Identifiers: ClinVar variation 4975209 (VCV004975209.1).